The following is an entry in ClinVar:

ClinVar aggregate classification (germline): Conflicting classifications of pathogenicity. Review status: criteria provided, conflicting classifications (1 of 4 stars). 4 submissions from 4 submitters: Uncertain significance (1); Benign (2); Likely benign (1). Last evaluated 2025-10-01.

Conditions:
Adams-Oliver syndrome 4 (AOS4). Identifiers: Orphanet 974, MedGen C3809092, MONDO:0014124, OMIM 615297.

Allele frequency attached by ClinVar (database versions not stated): gnomAD 0.00908 and 0.00844; TOPMed 0.00954; gnomAD exomes 0.00230; ExAC 0.00273; 1000 Genomes Project 0.00759; ESP Exome Variant Server 0.00777; 1000 Genomes Project 30x 0.00890.
gnomAD v4.1: 2,722 of 1,614,144 alleles (0.17%); highest among the groups gnomAD compares: African/African-American, 2.9%; 40 homozygotes.

Submissions (4):

CeGaT Center for Human Genetics Tuebingen
Classification: Benign. Last evaluated: 2025-10-01. Review status: criteria provided, single submitter. Criteria: CeGaT Center For Human Genetics Tuebingen Variant Classification Criteria Version 2. Collection method: clinical testing. Allele origin: germline. Affected: yes. Observed: 2 variant alleles.
Comment: EOGT: BS1, BS2

GeneDx
Classification: Uncertain significance. Last evaluated: 2020-10-02. Review status: criteria provided, single submitter. Criteria: GeneDx Variant Classification Process June 2021. Collection method: clinical testing. Allele origin: germline. Affected: yes.
Comment: Nonsense variant predicted to result in protein truncation or nonsense mediated decay in a gene for which loss-of-function is a known mechanism of disease; This variant is associated with the following publications: (PMID: 31724708, 28600779, 30290772)

Labcorp Genetics (formerly Invitae), Labcorp
Classification: Benign for Adams-Oliver syndrome 4. Last evaluated: 2019-12-31. Review status: criteria provided, single submitter. Criteria: Invitae Variant Classification Sherloc (09022015). Collection method: clinical testing. Allele origin: germline.

Center for Pediatric Genomic Medicine, Children's Mercy Hospital and Clinics
Classification: Likely benign. Last evaluated: 2017-04-27. Review status: criteria provided, single submitter. Criteria: ACMG Guidelines, 2015. Collection method: clinical testing. Allele origin: germline.

NM_001278689.2(EOGT):c.562A>T (p.Lys188Ter)

Gene: EOGT (EGF domain specific O-linked N-acetylglucosamine transferase; minus strand). Cytogenetic location: 3p14.1.
Variant type: single nucleotide variant.
Coding change: c.562A>T on transcript NM_001278689.2 (MANE Select); coding-DNA position 562, A replaced by T.
Protein change: p.Lys188Ter; replaces lysine 188 with a stop codon.
Molecular consequence: nonsense. On other transcripts: non-coding transcript variant (1).
Genome position (GRCh38, 1-based): chr3:69,004,436, T>A on the plus strand (A>T on the coding strand, the complement: EOGT is on the minus strand). VCF-style: chr3-69004436-T-A. GRCh37 (hg19) VCF-style: chr3-69053587-T-A.
Other names: c.562A>T, p.Lys188Ter (NM_173654.3); short protein forms K188*.
Identifiers: ClinVar variation 445341 (VCV000445341.33), dbSNP rs116711473, ClinGen allele CA2486881.